The following is an entry in ClinVar:

NM_001371928.1(AHDC1):c.3464A>G (p.Gln1155Arg)

Gene: AHDC1 (AT-hook DNA binding motif containing 1; minus strand). Cytogenetic location: 1p36.11.
Variant type: single nucleotide variant.
Coding change: c.3464A>G on transcript NM_001371928.1 (MANE Select); coding-DNA position 3464, A replaced by G.
Protein change: p.Gln1155Arg; replaces glutamine 1155 with arginine.
Molecular consequence: missense variant.
Genome position (GRCh38, 1-based): chr1:27,548,652, T>C on the plus strand (A>G on the coding strand, the complement: AHDC1 is on the minus strand). VCF-style: chr1-27548652-T-C. GRCh37 (hg19) VCF-style: chr1-27875163-T-C.
Other names: c.3464A>G (NM_001029882.2); c.3464A>G, p.Gln1155Arg (NM_001029882.3); c.-580A>G (NM_015699.1); short protein forms Q1155R.
Identifiers: ClinVar variation 1720719 (VCV001720719.6), dbSNP rs2521866319, ClinGen allele CA339226448.
Genomic context (GRCh38, chr1:27,548,652, plus strand): 5'-TGATTGAACTGGGTGCTGTCGGAGGATGACTCAGAGAAGGTCTCCGACACAGCCGTCTGC[T>C]GCTTCACCTTCTGCGGTGTGTAGTTGGAGATGTCCAGGATCACGTTGGGCTCGCTGACGT-3'
Protein context (NP_001358857.1, residues 1145-1165): ISNYTPQKVK[Gln1155Arg]QTAVSETFSE

ClinVar aggregate classification (germline): Uncertain significance. Review status: criteria provided, multiple submitters, no conflicts (2 of 4 stars). 3 submissions from 3 submitters: Uncertain significance (3). Last evaluated 2026-07-19.

Conditions:
Inborn genetic diseases. Identifiers: MedGen C0950123, MeSH D030342.

Allele frequency attached by ClinVar (database versions not stated): gnomAD exomes below 0.00001.
gnomAD v4.1: 3 of 1,613,470 alleles (0.00019%); highest among the groups gnomAD compares: Non-Finnish European, 0.00025%; no homozygotes.

Submissions (3):

Ambry Genetics
Classification: Uncertain significance for Inborn genetic diseases. Last evaluated: 2026-07-19. Review status: criteria provided, single submitter. Criteria: Ambry Variant Classification Scheme 2023. Collection method: clinical testing. Allele origin: germline.

GeneDx
Classification: Uncertain significance. Last evaluated: 2023-05-28. Review status: criteria provided, single submitter. Criteria: GeneDx Variant Classification Process June 2021. Collection method: clinical testing. Allele origin: germline. Affected: yes.
Comment: Not observed at significant frequency in large population cohorts (gnomAD); In silico analysis supports that this missense variant does not alter protein structure/function; Has not been previously published as pathogenic or benign to our knowledge

Labcorp Genetics (formerly Invitae), Labcorp
Classification: Uncertain significance. Last evaluated: 2022-09-30. Review status: criteria provided, single submitter. Criteria: Invitae Variant Classification Sherloc (09022015). Collection method: clinical testing. Allele origin: germline.
Comment: In summary, the available evidence is currently insufficient to determine the role of this variant in disease. Therefore, it has been classified as a Variant of Uncertain Significance. Algorithms developed to predict the effect of missense changes on protein structure and function (SIFT, PolyPhen-2, Align-GVGD) all suggest that this variant is likely to be tolerated. This variant has not been reported in the literature in individuals affected with AHDC1-related conditions. This variant is not present in population databases (gnomAD no frequency). This sequence change replaces glutamine, which is neutral and polar, with arginine, which is basic and polar, at codon 1155 of the AHDC1 protein (p.Gln1155Arg).